The following is an entry in ClinVar:

NM_000222.3(KIT):c.1383A>G (p.Thr461=)

Gene: KIT (KIT proto-oncogene, receptor tyrosine kinase; plus strand). Cytogenetic location: 4q12.
Variant type: single nucleotide variant.
Coding change: c.1383A>G on transcript NM_000222.3 (MANE Select); coding-DNA position 1383, A replaced by G.
Protein change: p.Thr461=; no amino-acid change (threonine 461 retained).
Molecular consequence: synonymous variant.
Genome position (GRCh38, 1-based): chr4:54,725,893, A>G. VCF-style: chr4-54725893-A-G. GRCh37 (hg19) VCF-style: chr4-55592059-A-G.
Other names: p.Thr461=; c.1383A>G, p.Thr461= (NM_001093772.2, NM_001385285.1, NM_001385286.1); c.1386A>G, p.Thr462= (NM_001385284.1, NM_001385288.1, NM_001385290.1 and 1 more transcripts).
Identifiers: ClinVar variation 237242 (VCV000237242.67), dbSNP rs151016327, ClinGen allele CA2923480.

ClinVar aggregate classification (germline): Conflicting classifications of pathogenicity. Review status: criteria provided, conflicting classifications (1 of 4 stars). 13 submissions from 11 submitters: Uncertain significance (1); Benign (6); Likely benign (6). Last evaluated 2026-09-01.

Conditions:
Hereditary cancer-predisposing syndrome. Also called: Hereditary neoplastic syndrome; Hereditary Cancer Syndrome; Neoplastic Syndromes, Hereditary; Tumor predisposition. Identifiers: Orphanet 140162, MedGen C0027672, MeSH D009386, MONDO:0015356.
Mastocytosis. Also called: Mast Cell Disease. Identifiers: Orphanet 98292, MedGen C0024899, MONDO:0007950, HP:0100495.
Gastrointestinal stromal tumor. Also called: Gastrointestinal stroma tumor; Gastrointestinal stromal tumor, somatic. Identifiers: Orphanet 44890, MedGen C0238198, MeSH D046152, MONDO:0011719, OMIM 606764, HP:0100723.
Piebaldism. Also called: Piebald skin depigmentation. Identifiers: Orphanet 2884, MedGen C0080024, MONDO:0008244, OMIM 172800, HP:0007544.

Allele frequency attached by ClinVar (database versions not stated): 1000 Genomes Project 0.00040; 1000 Genomes Project 30x 0.00047; TOPMed 0.00171; ESP Exome Variant Server 0.00185; gnomAD exomes 0.00257 and 0.00310; ExAC 0.00277; gnomAD 0.00308 and 0.00324.
gnomAD v4.1: 4,186 of 1,614,102 alleles (0.26%); highest among the groups gnomAD compares: Non-Finnish European, 0.26%; 17 homozygotes.

Submissions (13):

CeGaT Center for Human Genetics Tuebingen
Classification: Likely benign. Last evaluated: 2026-09-01. Review status: criteria provided, single submitter. Criteria: CeGaT Center For Human Genetics Tuebingen Variant Classification Criteria Version 2. Collection method: clinical testing. Allele origin: germline. Affected: yes. Observed: 67 variant alleles.
Comment: KIT: BP4, BP7

Myriad Genetics, Inc.
Classification: Benign for Gastrointestinal stromal tumor. Last evaluated: 2026-06-03. Review status: criteria provided, single submitter. Criteria: Myriad Autosomal Dominant, Autosomal Recessive and X-Linked Classification Criteria (2023). Collection method: clinical testing. Allele origin: unknown.
Comment: This variant is considered benign. This variant is a silent/synonymous amino acid change and it is not expected to impact splicing.

Labcorp Genetics (formerly Invitae), Labcorp
Classification: Benign for Gastrointestinal stromal tumor. Last evaluated: 2026-02-04. Review status: criteria provided, single submitter. Criteria: Invitae Variant Classification Sherloc (09022015). Collection method: clinical testing. Allele origin: germline.

Mayo Clinic Laboratories, Mayo Clinic
Classification: Likely benign. Last evaluated: 2025-09-30. Review status: criteria provided, single submitter. Criteria: ACMG Guidelines, 2015. Collection method: clinical testing. Allele origin: germline. Observed: 2 variant alleles.
Comment: BS1, BP4, BP7

Blueprint Genetics
Classification: Likely benign. Last evaluated: 2024-11-22. Review status: criteria provided, single submitter. Criteria: ACMG Guidelines, 2015. Collection method: clinical testing. Allele origin: germline.

KCCC/NGS Laboratory, Kuwait Cancer Control Center
Classification: Benign for Gastrointestinal stromal tumor. Last evaluated: 2023-07-07. Review status: criteria provided, single submitter. Criteria: ACMG Guidelines, 2015. Collection method: clinical testing. Allele origin: germline. Affected: yes.

Institute for Clinical Genetics, University Hospital TU Dresden, University Hospital TU Dresden
Classification: Uncertain significance. Last evaluated: 2021-11-03. Review status: criteria provided, single submitter. Criteria: ACMG Guidelines, 2015. Collection method: clinical testing. Allele origin: germline.

Genetic Services Laboratory, University of Chicago
Classification: Benign. Last evaluated: 2021-06-17. Review status: criteria provided, single submitter. Criteria: ACMG Guidelines, 2015. Collection method: clinical testing. Allele origin: germline. Affected: no.

GeneDx
Classification: Likely benign. Last evaluated: 2021-04-09. Review status: criteria provided, single submitter. Criteria: GeneDx Variant Classification Process June 2021. Collection method: clinical testing. Allele origin: germline. Affected: yes.

Ambry Genetics
Classification: Benign for Hereditary cancer-predisposing syndrome. Last evaluated: 2018-10-01. Review status: criteria provided, single submitter. Criteria: Ambry Variant Classification Scheme 2023. Collection method: clinical testing. Allele origin: germline.

Illumina Laboratory Services, Illumina
Classification: Likely benign for Gastrointestinal stromal tumor. Last evaluated: 2018-01-13. Review status: criteria provided, single submitter. Criteria: ICSL Variant Classification Criteria 13 December 2019. Collection method: clinical testing. Allele origin: germline.
Comment: This variant was observed in the ICSL laboratory as part of a predisposition screen in an ostensibly healthy population. It had not been previously curated by ICSL or reported in the Human Gene Mutation Database (HGMD: prior to June 1st, 2018), and was therefore a candidate for classification through an automated scoring system. Utilizing variant allele frequency, disease prevalence and penetrance estimates, and inheritance mode, an automated score was calculated to assess if this variant is too frequent to cause the disease. Based on the score and internal cut-off values, a variant classified as likely benign is not then subjected to further curation. The score for this variant resulted in a classification of likely benign for this disease.

Illumina Laboratory Services, Illumina
Classification: Benign for Cutaneous mastocytosis. Last evaluated: 2018-01-13. Review status: criteria provided, single submitter. Criteria: ICSL Variant Classification Criteria 13 December 2019. Collection method: clinical testing. Allele origin: germline.
Comment: This variant was observed in the ICSL laboratory as part of a predisposition screen in an ostensibly healthy population. It had not been previously curated by ICSL or reported in the Human Gene Mutation Database (HGMD: prior to June 1st, 2018), and was therefore a candidate for classification through an automated scoring system. Utilizing variant allele frequency, disease prevalence and penetrance estimates, and inheritance mode, an automated score was calculated to assess if this variant is too frequent to cause the disease. Based on the score and internal cut-off values, a variant classified as benign is not then subjected to further curation. The score for this variant resulted in a classification of benign for this disease.

Illumina Laboratory Services, Illumina
Classification: Likely benign for Piebaldism. Last evaluated: 2018-01-13. Review status: criteria provided, single submitter. Criteria: ICSL Variant Classification Criteria 13 December 2019. Collection method: clinical testing. Allele origin: germline.
Comment: the same text as in the submission from Illumina Laboratory Services, Illumina above.